The following is an entry in ClinVar:

ClinVar aggregate classification (germline): Uncertain significance (1 of 4 stars; one submission).

Allele frequency attached by ClinVar (database versions not stated): gnomAD exomes below 0.00001; gnomAD 0.00001; TOPMed 0.00001; ESP Exome Variant Server 0.00008.
gnomAD v4.1: 4 of 1,607,082 alleles (0.00025%); highest among the groups gnomAD compares: Non-Finnish European, 0.00034%; no homozygotes.

Submission:

Labcorp Genetics (formerly Invitae), Labcorp
Classification: Uncertain significance. Last evaluated: 2023-08-24. Review status: criteria provided, single submitter. Criteria: Invitae Variant Classification Sherloc (09022015). Collection method: clinical testing. Allele origin: germline.
Comment: In summary, the available evidence is currently insufficient to determine the role of this variant in disease. Therefore, it has been classified as a Variant of Uncertain Significance. Advanced modeling of protein sequence and biophysical properties (such as structural, functional, and spatial information, amino acid conservation, physicochemical variation, residue mobility, and thermodynamic stability) performed at Invitae indicates that this missense variant is expected to disrupt VPS13C protein function. ClinVar contains an entry for this variant (Variation ID: 1932986). This variant has not been reported in the literature in individuals affected with VPS13C-related conditions. This variant is not present in population databases (gnomAD no frequency). This sequence change replaces aspartic acid, which is acidic and polar, with glycine, which is neutral and non-polar, at codon 1078 of the VPS13C protein (p.Asp1078Gly).

NM_020821.3(VPS13C):c.3233A>G (p.Asp1078Gly)

Gene: VPS13C (vacuolar protein sorting 13 homolog C; minus strand). Cytogenetic location: 15q22.2.
Variant type: single nucleotide variant.
Coding change: c.3233A>G on transcript NM_020821.3 (MANE Select); coding-DNA position 3233, A replaced by G.
Protein change: p.Asp1078Gly; replaces aspartic acid 1078 with glycine.
Molecular consequence: missense variant.
Genome position (GRCh38, 1-based): chr15:61,963,933, T>C on the plus strand (A>G on the coding strand, the complement: VPS13C is on the minus strand). VCF-style: chr15-61963933-T-C. GRCh37 (hg19) VCF-style: chr15-62256132-T-C.
Other names: c.3233A>G, p.Asp1078Gly (NM_001018088.3); c.3104A>G, p.Asp1035Gly (NM_017684.5, NM_018080.4); short protein forms D1035G, D1078G.
Identifiers: ClinVar variation 1932986 (VCV001932986.3), dbSNP rs141313938, ClinGen allele CA271930028.
Genomic context (GRCh38, chr15:61,963,933, plus strand): 5'-CAAACAATGACACAGAAAGCATTCAACTTGGCAAATAGCCTGAAATCAATAATGTCACTA[T>C]CTCTGGAGGATACAATCGCTAAAAATAAAACAAAGCATCTGTCACATGGTGAGATTCTAG-3'
Protein context (NP_065872.1, residues 1068-1088): TLPKAIVSSR[Asp1078Gly]SDIIDFRLFA